The following is an entry in ClinVar:

NM_001184.4(ATR):c.3668T>C (p.Ile1223Thr)

Gene: ATR (ATR checkpoint kinase; minus strand). Cytogenetic location: 3q23.
Variant type: single nucleotide variant.
Coding change: c.3668T>C on transcript NM_001184.4 (MANE Select); coding-DNA position 3668, T replaced by C.
Protein change: p.Ile1223Thr; replaces isoleucine 1223 with threonine.
Molecular consequence: missense variant.
Genome position (GRCh38, 1-based): chr3:142,538,539, A>G on the plus strand (T>C on the coding strand, the complement: ATR is on the minus strand). VCF-style: chr3-142538539-A-G. GRCh37 (hg19) VCF-style: chr3-142257381-A-G.
Other names: c.3476T>C, p.Ile1159Thr (NM_001354579.2); short protein forms I1223T, I1159T.
Identifiers: ClinVar variation 1468142 (VCV001468142.8), dbSNP rs766979796, ClinGen allele CA2650042.
Genomic context (GRCh38, chr3:142,538,539, plus strand): 5'-TACCTGTTTTCAATTATGAGGTAGTGGAAGATAGCTGCAGTTTCTTTAGGCTGGATGTGT[A>G]TAAGAGGTAACAAAGCTACTATTACATGACTGAGAAGGGAGCCCAGACAAGCATGATCCA-3'
Protein context (NP_001175.2, residues 1213-1233): SHVIVALLPL[Ile1223Thr]HIQPKETAAI

ClinVar aggregate classification (germline): Uncertain significance (1 of 4 stars; one submission).

Allele frequency attached by ClinVar (database versions not stated): gnomAD 0.00001; ExAC 0.00002; TOPMed 0.00002; gnomAD exomes 0.00003.
gnomAD v4.1: 10 of 1,613,368 alleles (0.00062%); highest among the groups gnomAD compares: Admixed American, 0.0083%; no homozygotes.

Submission:

Labcorp Genetics (formerly Invitae), Labcorp
Classification: Uncertain significance. Last evaluated: 2022-04-23. Review status: criteria provided, single submitter. Criteria: Invitae Variant Classification Sherloc (09022015). Collection method: clinical testing. Allele origin: germline.
Comment: This sequence change replaces isoleucine, which is neutral and non-polar, with threonine, which is neutral and polar, at codon 1223 of the ATR protein (p.Ile1223Thr). This variant is present in population databases (rs766979796, gnomAD 0.01%). This variant has not been reported in the literature in individuals affected with ATR-related conditions. Algorithms developed to predict the effect of missense changes on protein structure and function are either unavailable or do not agree on the potential impact of this missense change (SIFT: "Tolerated"; PolyPhen-2: "Possibly Damaging"; Align-GVGD: "Class C0"). In summary, the available evidence is currently insufficient to determine the role of this variant in disease. Therefore, it has been classified as a Variant of Uncertain Significance.